The following is an entry in ClinVar:

ClinVar aggregate classification (germline): Likely pathogenic (1 of 4 stars; one submission).

Conditions:
Capillary malformation-arteriovenous malformation 1 (CMAVM1). Identifiers: Orphanet 137667, Orphanet 693907, MedGen C4747394, MONDO:0020783, OMIM 608354.

Submission:

Molecular Genetics Department, Kulakov National Medical Research Center for Obstetrics, Gynecology and Perinatology
Classification: Likely pathogenic for Capillary malformation-arteriovenous malformation 1. Review status: criteria provided, single submitter. Criteria: ACMG Guidelines, 2015. Collection method: clinical testing. Allele origin: germline. Affected: yes. Observed: 1 variant allele.
Comment: A previously undescribed heterozygous nucleotide variant creates a frameshift p.Ile931LysfsTer3 in the RASA1 gene. Heterozygous variants are reported in patients with capillary malformation-arteriovenous malformation 1, 608354. The variant is not present in population database (gnomAD no frequency). In summary, the currently available evidence indicates that the variant is pathogenic, but additional data are needed to prove that conclusively. Therefore, this variant has been classified as likely pathogenic.

NM_002890.3(RASA1):c.2784_2791dup (p.Ile931delinsLysHisTer)

Genes: CCNH (cyclin H; minus strand), RASA1 (RAS p21 protein activator 1; plus strand). Cytogenetic location: 5q14.3.
Variant type: Duplication.
Coding change: c.2784_2791dup on transcript NM_002890.3 (MANE Select); coding-DNA positions 2784 to 2791, 8 bases duplicated (AACACTGA; older notation c.2784_2791dupAACACTGA).
Protein change: p.Ile931delinsLysHisTer.
Molecular consequence: nonsense. On other transcripts: intron variant (1).
Genome position (GRCh38, 1-based): chr5:87,385,326-87,385,333, AACACTGA duplicated. VCF-style (leftmost placement, unchanged base first): chr5-87385325-G-GAACACTGA. GRCh37 (hg19) VCF-style: chr5-86681142-G-GAACACTGA.
Other names: c.2253_2260dup, p.Ile754delinsLysHisTer (NM_022650.3); c.933+9711_933+9718dup (NM_001364075.2).
Identifiers: ClinVar variation 4294527 (VCV004294527.1).